The following is an entry in ClinVar:

ClinVar aggregate classification (germline): Likely pathogenic. Review status: criteria provided, single submitter (1 of 4 stars). 2 submissions from 2 submitters: Likely pathogenic (1). 1 of the submissions does not count toward it. Last evaluated 2020-01-30.

Conditions:
Fanconi anemia complementation group A (FANCA). Also called: Fanconi anemia, group A; FANCA-Related Fanconi Anemia. Identifiers: Orphanet 84, MedGen C3469521, MONDO:0009215, OMIM 227650.
Fanconi anemia (FA). Also called: Fanconi's anemia. Identifiers: Orphanet 84, MedGen C0015625, MeSH D005199, MONDO:0019391.

Submissions (2):

Labcorp Genetics (formerly Invitae), Labcorp
Classification: Likely pathogenic for Fanconi anemia. Last evaluated: 2020-01-30. Review status: criteria provided, single submitter. Criteria: Invitae Variant Classification Sherloc (09022015). Collection method: clinical testing. Allele origin: germline.
Comment: In summary, the currently available evidence indicates that the variant is pathogenic, but additional data are needed to prove that conclusively. Therefore, this variant has been classified as Likely Pathogenic. Donor and acceptor splice site variants typically lead to a loss of protein function (PMID: 16199547), and loss-of-function variants in FANCA are known to be pathogenic (PMID: 19367192). Algorithms developed to predict the effect of sequence changes on RNA splicing suggest that this variant may disrupt the consensus splice site, but this prediction has not been confirmed by published transcriptional studies. This variant has been observed in an individual affected with a FANCA-related condition (PMID: 24584348). ClinVar contains an entry for this variant (Variation ID: 556447). This variant is not present in population databases (ExAC no frequency). This sequence change affects a donor splice site in intron 11 of the FANCA gene. It is expected to disrupt RNA splicing and likely results in an absent or disrupted protein product.

Counsyl
Classification: Likely pathogenic for Fanconi anemia complementation group A. Last evaluated: 2018-01-31. Review status: no assertion criteria provided. Collection method: clinical testing. Allele origin: unknown. Not counted in ClinVar's aggregate classification.

Literature cited by the submitters: PubMed 16199547 (cited by Labcorp Genetics (formerly Invitae), Labcorp); PubMed 19367192 (cited by Labcorp Genetics (formerly Invitae), Labcorp); PubMed 24584348 (cited by Labcorp Genetics (formerly Invitae), Labcorp and Counsyl).

NM_000135.4(FANCA):c.1006+1G>T

Gene: FANCA (FA complementation group A; minus strand). Cytogenetic location: 16q24.3.
Variant type: single nucleotide variant.
Coding change: c.1006+1G>T on transcript NM_000135.4 (MANE Select); the canonical splice donor site of the intron after coding-DNA position 1006, G replaced by T.
Molecular consequence: splice donor variant.
Genome position (GRCh38, 1-based): chr16:89,795,905, C>A on the plus strand (G>T on the coding strand, the complement: FANCA is on the minus strand). VCF-style: chr16-89795905-C-A. GRCh37 (hg19) VCF-style: chr16-89862313-C-A.
Other names: c.1006+1G>T (NM_001286167.3).
Identifiers: ClinVar variation 556447 (VCV000556447.12), dbSNP rs1555564436, ClinGen allele CA397469751.